The following is an entry in ClinVar:

ClinVar aggregate classification (germline): Uncertain significance. Review status: criteria provided, multiple submitters, no conflicts (2 of 4 stars). 5 submissions from 5 submitters: Uncertain significance (4). 1 of the submissions does not count toward it. Last evaluated 2025-06-12.

Conditions:
Pierson syndrome. Also called: MICROCORIA-CONGENITAL NEPHROTIC SYNDROME. Identifiers: Orphanet 2670, MedGen C1836876, MONDO:0012184, OMIM 609049.
LAMB2-related infantile-onset nephrotic syndrome. Also called: NEPHROTIC SYNDROME, TYPE 5, WITHOUT OCULAR ABNORMALITIES; NEPHROTIC SYNDROME, TYPE 5, WITH OCULAR ABNORMALITIES; Nephrotic Syndrome, type 5. Identifiers: Orphanet 306507, MedGen C3280113, MONDO:0013621, OMIM 614199.
LAMB2-related disorder. Also called: LAMB2-related condition.

Allele frequency attached by ClinVar (database versions not stated): gnomAD 0.00004; gnomAD exomes 0.00005 and 0.00010; TOPMed 0.00003; ExAC 0.00006.
gnomAD v4.1: 154 of 1,613,354 alleles (0.0095%); highest among the groups gnomAD compares: Middle Eastern, 0.43%; 1 homozygote.

Submissions (5):

Labcorp Genetics (formerly Invitae), Labcorp
Classification: Uncertain significance for LAMB2-related infantile-onset nephrotic syndrome; Pierson syndrome. Last evaluated: 2025-06-12. Review status: criteria provided, single submitter. Criteria: Invitae Variant Classification Sherloc (09022015). Collection method: clinical testing. Allele origin: germline.
Comment: This sequence change replaces leucine, which is neutral and non-polar, with valine, which is neutral and non-polar, at codon 1258 of the LAMB2 protein (p.Leu1258Val). This variant is present in population databases (rs771785818, gnomAD 0.02%). This missense change has been observed in individual(s) with Nephrotic syndrome (PMID: 23595123). ClinVar contains an entry for this variant (Variation ID: 654751). An algorithm developed to predict the effect of missense changes on protein structure and function (PolyPhen-2) suggests that this variant is likely to be tolerated. Algorithms developed to predict the effect of sequence changes on RNA splicing suggest that this variant may create or strengthen a splice site. In summary, the available evidence is currently insufficient to determine the role of this variant in disease. Therefore, it has been classified as a Variant of Uncertain Significance.

Fulgent Genetics
Classification: Uncertain significance for Pierson syndrome; LAMB2-related infantile-onset nephrotic syndrome. Last evaluated: 2021-11-11. Review status: criteria provided, single submitter. Criteria: ACMG Guidelines, 2015. Collection method: clinical testing. Allele origin: unknown.

Baylor Genetics
Classification: Uncertain significance for LAMB2-related infantile-onset nephrotic syndrome. Last evaluated: 2019-07-17. Review status: criteria provided, single submitter. Criteria: ACMG Guidelines, 2015. Collection method: clinical testing. Allele origin: unknown. Affected: yes.
Comment: This variant was determined to be of uncertain significance according to ACMG Guidelines, 2015 [PMID:25741868].

Breakthrough Genomics
Classification: Uncertain significance. Review status: criteria provided, single submitter. Criteria: ACMG Guidelines, 2015. Collection method: not provided. Allele origin: germline. Inheritance: Autosomal recessive inheritance. Affected: yes.

PreventionGenetics, part of Exact Sciences
Classification: Uncertain significance for LAMB2-related condition. Last evaluated: 2024-02-07. Review status: no assertion criteria provided. Collection method: clinical testing. Allele origin: germline. Not counted in ClinVar's aggregate classification.
Comment: The LAMB2 c.3772C>G variant is predicted to result in the amino acid substitution p.Leu1258Val. To our knowledge, this variant has not been reported in the literature. This variant is reported in 0.020% of alleles in individuals of South Asian descent in gnomAD. At this time, the clinical significance of this variant is uncertain due to the absence of conclusive functional and genetic evidence.

Literature cited by the submitters: PubMed 23595123 (cited by Labcorp Genetics (formerly Invitae), Labcorp).

NM_002292.4(LAMB2):c.3772C>G (p.Leu1258Val)

Gene: LAMB2 (laminin subunit beta 2; minus strand). Cytogenetic location: 3p21.31.
Variant type: single nucleotide variant.
Coding change: c.3772C>G on transcript NM_002292.4 (MANE Select); coding-DNA position 3772, C replaced by G.
Protein change: p.Leu1258Val; replaces leucine 1258 with valine.
Molecular consequence: missense variant.
Genome position (GRCh38, 1-based): chr3:49,123,753, G>C on the plus strand (C>G on the coding strand, the complement: LAMB2 is on the minus strand). VCF-style: chr3-49123753-G-C. GRCh37 (hg19) VCF-style: chr3-49161186-G-C.
Other names: short protein forms L1258V.
Identifiers: ClinVar variation 654751 (VCV000654751.12), dbSNP rs771785818, ClinGen allele CA2393968.